The following is an entry in ClinVar:

NM_001358530.2(MOCS1):c.1570C>G (p.Gln524Glu)

Gene: MOCS1 (molybdenum cofactor synthesis 1; minus strand). Cytogenetic location: 6p21.2.
Variant type: single nucleotide variant.
Coding change: c.1570C>G on transcript NM_001358530.2 (MANE Select); coding-DNA position 1570, C replaced by G.
Protein change: p.Gln524Glu; replaces glutamine 524 with glutamic acid.
Molecular consequence: missense variant. On other transcripts: 3 prime UTR variant (4), non-coding transcript variant (1).
Genome position (GRCh38, 1-based): chr6:39,906,698, G>C on the plus strand (C>G on the coding strand, the complement: MOCS1 is on the minus strand). VCF-style: chr6-39906698-G-C. GRCh37 (hg19) VCF-style: chr6-39874474-G-C.
Other names: c.*427C>G (NM_001075098.4, NM_001358533.2, NM_001358534.2 and 1 more transcripts); c.1522C>G, p.Gln508Glu (NM_001358529.2); c.1309C>G, p.Gln437Glu (NM_001358531.2); short protein forms Q437E, Q508E, Q524E.
Identifiers: ClinVar variation 1720191 (VCV001720191.3), dbSNP rs145526940, ClinGen allele CA364039629.

ClinVar aggregate classification (germline): Uncertain significance (1 of 4 stars; one submission).

Conditions:
Sulfite oxidase deficiency due to molybdenum cofactor deficiency type A. Also called: Molybdenum cofactor deficiency, complementation group A; Molybdenum Cofactor Deficiency A. Identifiers: Orphanet 308386, Orphanet 833, MedGen C1854988, MONDO:0009643, OMIM 252150.

gnomAD v4.1: 1 of 1,614,188 alleles (0.000062%); highest among the groups gnomAD compares: Admixed American, 0.0017%; no homozygotes.

Submission:

Labcorp Genetics (formerly Invitae), Labcorp
Classification: Uncertain significance for Sulfite oxidase deficiency due to molybdenum cofactor deficiency type A. Last evaluated: 2022-09-23. Review status: criteria provided, single submitter. Criteria: Invitae Variant Classification Sherloc (09022015). Collection method: clinical testing. Allele origin: germline.
Comment: This sequence change replaces glutamine, which is neutral and polar, with glutamic acid, which is acidic and polar, at codon 524 of the MOCS1 protein (p.Gln524Glu). This variant is present in population databases (no rsID available, gnomAD 0.003%). This variant has not been reported in the literature in individuals affected with MOCS1-related conditions. Algorithms developed to predict the effect of missense changes on protein structure and function output the following: SIFT: "Not Available"; PolyPhen-2: "Benign"; Align-GVGD: "Not Available". The glutamic acid amino acid residue is found in multiple mammalian species, which suggests that this missense change does not adversely affect protein function. In summary, the available evidence is currently insufficient to determine the role of this variant in disease. Therefore, it has been classified as a Variant of Uncertain Significance.